The following is an entry in ClinVar:

ClinVar aggregate classification (germline): Uncertain significance (1 of 4 stars; one submission).

gnomAD v4.1: 2 of 1,613,690 alleles (0.00012%); highest among the groups gnomAD compares: Admixed American, 0.0017%; no homozygotes.

Submission:

Labcorp Genetics (formerly Invitae), Labcorp
Classification: Uncertain significance. Last evaluated: 2022-05-04. Review status: criteria provided, single submitter. Criteria: Invitae Variant Classification Sherloc (09022015). Collection method: clinical testing. Allele origin: germline.
Comment: In summary, the available evidence is currently insufficient to determine the role of this variant in disease. Therefore, it has been classified as a Variant of Uncertain Significance. Algorithms developed to predict the effect of missense changes on protein structure and function (SIFT, PolyPhen-2, Align-GVGD) all suggest that this variant is likely to be disruptive. This variant has not been reported in the literature in individuals affected with CDC42BPB-related conditions. This variant is present in population databases (no rsID available, gnomAD 0.003%). This sequence change replaces aspartic acid, which is acidic and polar, with histidine, which is basic and polar, at codon 1123 of the CDC42BPB protein (p.Asp1123His).

NM_006035.4(CDC42BPB):c.3367G>C (p.Asp1123His)

Gene: CDC42BPB (CDC42 binding protein kinase beta; minus strand). Cytogenetic location: 14q32.32.
Variant type: single nucleotide variant.
Coding change: c.3367G>C on transcript NM_006035.4 (MANE Select); coding-DNA position 3367, G replaced by C.
Protein change: p.Asp1123His; replaces aspartic acid 1123 with histidine.
Molecular consequence: missense variant.
Genome position (GRCh38, 1-based): chr14:102,949,847, C>G on the plus strand (G>C on the coding strand, the complement: CDC42BPB is on the minus strand). VCF-style: chr14-102949847-C-G. GRCh37 (hg19) VCF-style: chr14-103416184-C-G.
Other names: c.3289G>C, p.Asp1097His (NM_001411054.1); short protein forms D1097H, D1123H.
Identifiers: ClinVar variation 2132251 (VCV002132251.4), dbSNP rs1039611600, ClinGen allele CA267141231.